The following is an entry in ClinVar:

ClinVar aggregate classification (germline): Uncertain significance. Review status: criteria provided, multiple submitters, no conflicts (2 of 4 stars). 3 submissions from 3 submitters: Uncertain significance (3). Last evaluated 2025-07-15.

Conditions:
IL17RD-related disorder. Also called: IL17RD-related condition.

Allele frequency attached by ClinVar (database versions not stated): ExAC 0.00002; gnomAD 0.00003; TOPMed 0.00005.
gnomAD v4.1: 40 of 1,613,678 alleles (0.0025%); highest among the groups gnomAD compares: Admixed American, 0.017%; no homozygotes.

Submissions (3):

Labcorp Genetics (formerly Invitae), Labcorp
Classification: Uncertain significance. Last evaluated: 2025-07-15. Review status: criteria provided, single submitter. Criteria: Invitae Variant Classification Sherloc (09022015). Collection method: clinical testing. Allele origin: germline.
Comment: This sequence change replaces proline, which is neutral and non-polar, with leucine, which is neutral and non-polar, at codon 222 of the IL17RD protein (p.Pro222Leu). This variant is present in population databases (rs764856504, gnomAD 0.01%). This variant has not been reported in the literature in individuals affected with IL17RD-related conditions. ClinVar contains an entry for this variant (Variation ID: 2410100). Invitae Evidence Modeling of protein sequence and biophysical properties (such as structural, functional, and spatial information, amino acid conservation, physicochemical variation, residue mobility, and thermodynamic stability) indicates that this missense variant is expected to disrupt IL17RD protein function with a positive predictive value of 80%. In summary, the available evidence is currently insufficient to determine the role of this variant in disease. Therefore, it has been classified as a Variant of Uncertain Significance.

PreventionGenetics, part of Exact Sciences
Classification: Uncertain significance for IL17RD-related condition. Last evaluated: 2024-10-25. Review status: criteria provided, single submitter. Criteria: ACMG Guidelines, 2015. Collection method: clinical testing. Allele origin: germline.
Comment: The IL17RD c.665C>T variant is predicted to result in the amino acid substitution p.Pro222Leu. To our knowledge, this variant has not been reported in the literature. This variant is reported in 0.014% of alleles in individuals of Latino descent in gnomAD. At this time, the clinical significance of this variant is uncertain due to the absence of conclusive functional and genetic evidence.

Ambry Genetics
Classification: Uncertain significance. Last evaluated: 2022-11-17. Review status: criteria provided, single submitter. Criteria: Ambry Variant Classification Scheme 2023. Collection method: clinical testing. Allele origin: germline.

NM_017563.5(IL17RD):c.665C>T (p.Pro222Leu)

Gene: IL17RD (interleukin 17 receptor D; minus strand). Cytogenetic location: 3p14.3.
Variant type: single nucleotide variant.
Coding change: c.665C>T on transcript NM_017563.5 (MANE Select); coding-DNA position 665, C replaced by T.
Protein change: p.Pro222Leu; replaces proline 222 with leucine.
Molecular consequence: missense variant.
Genome position (GRCh38, 1-based): chr3:57,105,939, G>A on the plus strand (C>T on the coding strand, the complement: IL17RD is on the minus strand). VCF-style: chr3-57105939-G-A. GRCh37 (hg19) VCF-style: chr3-57139967-G-A.
Other names: c.665C>T (NM_017563.4); c.665C>T, p.Pro222Leu (NM_001080973.1); c.233C>T, p.Pro78Leu (NM_001318864.2); short protein forms P78L, P222L.
Identifiers: ClinVar variation 2410100 (VCV002410100.4), dbSNP rs764856504, ClinGen allele CA2462973.
Genomic context (GRCh38, chr3:57,105,939, plus strand): 5'-AAAGGTCCTTCGTGCTTGAGCTTGTAGTGAAGATAGAAGAAACGGAAGCCGAAGTTGTGC[G>A]GTGCATGGTCGAAGGACACCTGCATGTCCGAGCCATGCTGGCTGATGTTCAGGTTCCGAG-3'
Protein context (NP_060033.3, residues 212-232): SDMQVSFDHA[Pro222Leu]HNFGFRFFYL